The following is an entry in ClinVar:

ClinVar aggregate classification (germline): Pathogenic. Review status: criteria provided, multiple submitters, no conflicts (2 of 4 stars). 2 submissions from 2 submitters: Pathogenic (2). Last evaluated 2026-01-27.

Conditions:
Inborn genetic diseases. Identifiers: MedGen C0950123, MeSH D030342.

Allele frequency attached by ClinVar (database versions not stated): gnomAD 0.00001; TOPMed 0.00001; gnomAD exomes 0.00002.
gnomAD v4.1: 28 of 1,614,048 alleles (0.0017%); highest among the groups gnomAD compares: Middle Eastern, 0.016%; no homozygotes.

Submissions (2):

Labcorp Genetics (formerly Invitae), Labcorp
Classification: Pathogenic. Last evaluated: 2026-01-27. Review status: criteria provided, single submitter. Criteria: Invitae Variant Classification Sherloc (09022015). Collection method: clinical testing. Allele origin: germline.
Comment: This sequence change creates a premature translational stop signal (p.Arg431*) in the MBD4 gene. It is expected to result in an absent or disrupted protein product. Loss-of-function variants in MBD4 are known to be pathogenic (PMID: 30049810, 35460607). This variant is present in population databases (no rsID available, gnomAD 0.02%). This premature translational stop signal has been observed in individual(s) with MBD4-related conditions (PMID: 30049810). ClinVar contains an entry for this variant (Variation ID: 2884001). Algorithms developed to predict the effect of sequence changes on RNA splicing suggest that this variant may disrupt the consensus splice site. For these reasons, this variant has been classified as Pathogenic.

Ambry Genetics
Classification: Pathogenic for Inborn genetic diseases. Last evaluated: 2024-12-12. Review status: criteria provided, single submitter. Criteria: Ambry Variant Classification Scheme 2023. Collection method: clinical testing. Allele origin: germline.
Comment: The p.R425* pathogenic mutation (also known as c.1273C>T), located in coding exon 5 of the MBD4 gene, results from a C to T substitution at nucleotide position 1273. This changes the amino acid from an arginine to a stop codon within coding exon 5. This alteration is expected to result in loss of function by premature protein truncation or nonsense-mediated mRNA decay. As such, this alteration is interpreted as a disease-causing mutation.

Literature cited by the submitters: PubMed 30049810 (cited by Labcorp Genetics (formerly Invitae), Labcorp); PubMed 35460607 (cited by Labcorp Genetics (formerly Invitae), Labcorp).

NM_001276270.2(MBD4):c.1273C>T (p.Arg425Ter)

Gene: MBD4 (methyl-CpG binding domain 4, DNA glycosylase; minus strand). Cytogenetic location: 3q21.3.
Variant type: single nucleotide variant.
Coding change: c.1273C>T on transcript NM_001276270.2 (MANE Select); coding-DNA position 1273, C replaced by T.
Protein change: p.Arg425Ter; replaces arginine 425 with a stop codon.
Molecular consequence: nonsense.
Genome position (GRCh38, 1-based): chr3:129,433,970, G>A on the plus strand (C>T on the coding strand, the complement: MBD4 is on the minus strand). VCF-style: chr3-129433970-G-A. GRCh37 (hg19) VCF-style: chr3-129152813-G-A.
Other names: c.1291C>T, p.Arg431Ter (NM_001276271.2, NM_001276272.2, NM_003925.3); c.337C>T, p.Arg113Ter (NM_001276273.2); short protein forms R431*, R113*, R425*.
Identifiers: ClinVar variation 2884001 (VCV002884001.4), dbSNP rs1242455927, ClinGen allele CA354466078.